The following is an entry in ClinVar:

ClinVar aggregate classification (germline): Uncertain significance. Review status: criteria provided, multiple submitters, no conflicts (2 of 4 stars). 2 submissions from 2 submitters: Uncertain significance (2). Last evaluated 2024-12-04.

Conditions:
Hereditary cancer-predisposing syndrome. Also called: Neoplastic Syndromes, Hereditary; Tumor predisposition; Hereditary Cancer Syndrome; Hereditary neoplastic syndrome. Identifiers: Orphanet 140162, MedGen C0027672, MeSH D009386, MONDO:0015356.
Familial adenomatous polyposis 1 (FAP1). Also called: FAMILIAL ADENOMATOUS POLYPOSIS 1, ATTENUATED; POLYPOSIS, ADENOMATOUS INTESTINAL. Identifiers: MedGen C2713442, MONDO:0021056, OMIM 175100. Disease mechanism: loss of function.

Submissions (2):

Labcorp Genetics (formerly Invitae), Labcorp
Classification: Uncertain significance for Familial adenomatous polyposis 1. Last evaluated: 2024-12-04. Review status: criteria provided, single submitter. Criteria: Invitae Variant Classification Sherloc (09022015). Collection method: clinical testing. Allele origin: germline.
Comment: This sequence change replaces asparagine, which is neutral and polar, with isoleucine, which is neutral and non-polar, at codon 2518 of the APC protein (p.Asn2518Ile). This variant is not present in population databases (gnomAD no frequency). This variant has not been reported in the literature in individuals affected with APC-related conditions. Invitae Evidence Modeling of protein sequence and biophysical properties (such as structural, functional, and spatial information, amino acid conservation, physicochemical variation, residue mobility, and thermodynamic stability) indicates that this missense variant is not expected to disrupt APC protein function with a negative predictive value of 95%. In summary, the available evidence is currently insufficient to determine the role of this variant in disease. Therefore, it has been classified as a Variant of Uncertain Significance.

Ambry Genetics
Classification: Uncertain significance for Hereditary cancer-predisposing syndrome. Last evaluated: 2024-07-26. Review status: criteria provided, single submitter. Criteria: Ambry Variant Classification Scheme 2023. Collection method: clinical testing. Allele origin: germline.
Comment: The p.N2518I variant (also known as c.7553A>T), located in coding exon 15 of the APC gene, results from an A to T substitution at nucleotide position 7553. The asparagine at codon 2518 is replaced by isoleucine, an amino acid with dissimilar properties. This amino acid position is conserved. In addition, in silico predictors for this gene do not accurately predict pathogenicity. Based on the available evidence, the clinical significance of this variant remains unclear.

NM_000038.6(APC):c.7553A>T (p.Asn2518Ile)

Gene: APC (APC regulator of Wnt signaling pathway; plus strand). Cytogenetic location: 5q22.2.
Variant type: single nucleotide variant.
Coding change: c.7553A>T on transcript NM_000038.6 (MANE Select); coding-DNA position 7553, A replaced by T.
Protein change: p.Asn2518Ile; replaces asparagine 2518 with isoleucine.
Molecular consequence: missense variant. On other transcripts: non-coding transcript variant (2).
Genome position (GRCh38, 1-based): chr5:112,843,147, A>T. VCF-style: chr5-112843147-A-T. GRCh37 (hg19) VCF-style: chr5-112178844-A-T.
Other names: c.7637A>T, p.Asn2546Ile (NM_001407446.1); c.7607A>T, p.Asn2536Ile (NM_001407447.1, NM_001407448.1, NM_001407449.1 and 1 more transcripts); c.7553A>T, p.Asn2518Ile (NM_001407450.1, NM_001127510.3, NM_001354895.2); c.7532A>T, p.Asn2511Ile (NM_001407451.1); c.7523A>T, p.Asn2508Ile (NM_001407452.1); c.7376A>T, p.Asn2459Ile (NM_001407453.1, NM_001354901.2); c.7304A>T, p.Asn2435Ile (NM_001407454.1, NM_001407455.1, NM_001407456.1 and 1 more transcripts); c.7250A>T, p.Asn2417Ile (NM_001407458.1, NM_001407459.1, NM_001407460.1 and 1 more transcripts); and 11 more; short protein forms N2235I, N2389I, N2427I, N2435I, N2459I, N2500I, N2508I, N2518I.
Identifiers: ClinVar variation 3409791 (VCV003409791.3).